The following is an entry in ClinVar:

ClinVar aggregate classification (germline): Benign/Likely benign. Review status: criteria provided, multiple submitters, no conflicts (2 of 4 stars). 3 submissions from 3 submitters: Benign (1); Likely benign (2). Last evaluated 2024-04-19.

Conditions:
Familial cancer of breast. Also called: hereditary breast carcinoma; BREAST CANCER, FAMILIAL; Hereditary breast cancer. Identifiers: Orphanet 227535, MedGen C0346153, MONDO:0016419, OMIM 114480. Disease mechanism: loss of function.
Ataxia-telangiectasia syndrome (AT). Also called: ATAXIA-TELANGIECTASIA, COMPLEMENTATION GROUP A; ATAXIA-TELANGIECTASIA, FRESNO VARIANT; Ataxia-telangiectasia, complementation group E; Ataxia telangiectasia (A-T); LOUIS-BAR SYNDROME; Cerebello-oculocutaneous telangiectasia. Identifiers: Orphanet 100, MedGen C0004135, MONDO:0008840, OMIM 208900.
Hereditary cancer-predisposing syndrome. Also called: Neoplastic Syndromes, Hereditary; Hereditary Cancer Syndrome; Hereditary neoplastic syndrome; Tumor predisposition. Identifiers: Orphanet 140162, MedGen C0027672, MeSH D009386, MONDO:0015356.

Submissions (3):

Myriad Genetics, Inc.
Classification: Benign for Familial cancer of breast. Last evaluated: 2024-04-19. Review status: criteria provided, single submitter. Criteria: Myriad Autosomal Dominant, Autosomal Recessive and X-Linked Classification Criteria (2023). Collection method: clinical testing. Allele origin: unknown.
Comment: This variant is considered benign. This variant is a silent/synonymous amino acid change and it is not expected to impact splicing.

Labcorp Genetics (formerly Invitae), Labcorp
Classification: Likely benign for Ataxia-telangiectasia syndrome. Last evaluated: 2020-09-17. Review status: criteria provided, single submitter. Criteria: Invitae Variant Classification Sherloc (09022015). Collection method: clinical testing. Allele origin: germline.

Ambry Genetics
Classification: Likely benign for Hereditary cancer-predisposing syndrome. Last evaluated: 2019-06-14. Review status: criteria provided, single submitter. Criteria: Ambry Variant Classification Scheme 2023. Collection method: clinical testing. Allele origin: germline.

NM_000051.4(ATM):c.517A>C (p.Arg173=)

Gene: ATM (ATM serine/threonine kinase; plus strand). Cytogenetic location: 11q22.3.
Variant type: single nucleotide variant.
Coding change: c.517A>C on transcript NM_000051.4 (MANE Select); coding-DNA position 517, A replaced by C.
Protein change: p.Arg173=; no amino-acid change (arginine 173 retained).
Molecular consequence: synonymous variant.
Genome position (GRCh38, 1-based): chr11:108,243,973, A>C. VCF-style: chr11-108243973-A-C. GRCh37 (hg19) VCF-style: chr11-108114700-A-C.
Other names: c.517A>C, p.Arg173= (NM_001351834.2).
Identifiers: ClinVar variation 825508 (VCV000825508.14), dbSNP rs1591499740, ClinGen allele CA476671387.